The following is an entry in ClinVar:

ClinVar aggregate classification (germline): Uncertain significance (1 of 4 stars; one submission).

Submission:

GeneDx
Classification: Uncertain significance. Last evaluated: 2023-01-10. Review status: criteria provided, single submitter. Criteria: GeneDx Variant Classification Process June 2021. Collection method: clinical testing. Allele origin: germline. Affected: yes.
Comment: Not observed at significant frequency in large population cohorts (gnomAD); In silico analysis supports that this missense variant has a deleterious effect on protein structure/function; Has not been previously published as pathogenic or benign to our knowledge

NM_001375380.1(EBF3):c.785C>G (p.Thr262Ser)

Genes: EBF3 (EBF transcription factor 3; minus strand), EBF3-AS1 (EBF3 antisense RNA 1; plus strand). Cytogenetic location: 10q26.3.
Variant type: single nucleotide variant.
Coding change: c.785C>G on transcript NM_001375380.1 (MANE Select); coding-DNA position 785, C replaced by G.
Protein change: p.Thr262Ser; replaces threonine 262 with serine.
Molecular consequence: missense variant.
Genome position (GRCh38, 1-based): chr10:129,867,909, G>C on the plus strand (C>G on the coding strand, the complement: EBF3 is on the minus strand). VCF-style: chr10-129867909-G-C. GRCh37 (hg19) VCF-style: chr10-131666173-G-C.
Other names: c.758C>G, p.Thr253Ser (NM_001005463.3, NM_001375390.1, NM_001375392.1); c.785C>G, p.Thr262Ser (NM_001375379.1, NM_001375389.1, NM_001375391.1); short protein forms T253S, T262S.
Identifiers: ClinVar variation 2571952 (VCV002571952.1), dbSNP rs2493992217, ClinGen allele CA378725824.
Genomic context (GRCh38, chr10:129,867,909, plus strand): 5'-ATGACGGTGGCACCCCCCGTGGTCCAGCCTTCACTGGGACTGATGGCCTTGATGCACGGA[G>C]TGGCTGCTCACACAAGACAGAGAAGGCAGACCTTAGAGCCCCGTCCTCCTCCGACGCTGG-3'
Protein context (NP_001362309.1, residues 252-272): GTAPSYLENA[Thr262Ser]PCIKAISPSE